The following is an entry in ClinVar:

ClinVar aggregate classification (germline): Conflicting classifications of pathogenicity. Review status: criteria provided, conflicting classifications (1 of 4 stars). 5 submissions from 5 submitters: Uncertain significance (2); Likely benign (3). Last evaluated 2026-04-01.

Conditions:
Inborn genetic diseases. Identifiers: MedGen C0950123, MeSH D030342.

Allele frequency attached by ClinVar (database versions not stated): gnomAD exomes 0.00003; TOPMed 0.00003; gnomAD 0.00004; ExAC 0.00007.
gnomAD v4.1: 54 of 1,613,952 alleles (0.0033%); highest among the groups gnomAD compares: South Asian, 0.026%; no homozygotes.

Submissions (5):

CeGaT Center for Human Genetics Tuebingen
Classification: Likely benign. Last evaluated: 2026-04-01. Review status: criteria provided, single submitter. Criteria: CeGaT Center For Human Genetics Tuebingen Variant Classification Criteria Version 2. Collection method: clinical testing. Allele origin: germline. Affected: yes. Observed: 1 variant allele.
Comment: SRCAP: BP4

Ambry Genetics
Classification: Likely benign for Inborn genetic diseases. Last evaluated: 2025-08-22. Review status: criteria provided, single submitter. Criteria: Ambry Variant Classification Scheme 2023. Collection method: clinical testing. Allele origin: germline.

Labcorp Genetics (formerly Invitae), Labcorp
Classification: Uncertain significance. Last evaluated: 2025-06-12. Review status: criteria provided, single submitter. Criteria: Invitae Variant Classification Sherloc (09022015). Collection method: clinical testing. Allele origin: germline.
Comment: This sequence change replaces arginine, which is basic and polar, with tryptophan, which is neutral and slightly polar, at codon 3042 of the SRCAP protein (p.Arg3042Trp). This variant is present in population databases (rs777211919, gnomAD 0.02%). This variant has not been reported in the literature in individuals affected with SRCAP-related conditions. ClinVar contains an entry for this variant (Variation ID: 1895623). Invitae Evidence Modeling of protein sequence and biophysical properties (such as structural, functional, and spatial information, amino acid conservation, physicochemical variation, residue mobility, and thermodynamic stability) indicates that this missense variant is not expected to disrupt SRCAP protein function with a negative predictive value of 80%. In summary, the available evidence is currently insufficient to determine the role of this variant in disease. Therefore, it has been classified as a Variant of Uncertain Significance.

Blueprint Genetics
Classification: Likely benign. Last evaluated: 2023-08-15. Review status: criteria provided, single submitter. Criteria: ACMG Guidelines, 2015. Collection method: clinical testing. Allele origin: germline.

Revvity Omics, Revvity
Classification: Uncertain significance. Last evaluated: 2019-08-01. Review status: criteria provided, single submitter. Criteria: ACMG Guidelines, 2015. Collection method: clinical testing. Allele origin: germline.

NM_006662.3(SRCAP):c.9124C>T (p.Arg3042Trp)

Gene: SRCAP (Snf2 related CREBBP activator protein; plus strand). Cytogenetic location: 16p11.2.
Variant type: single nucleotide variant.
Coding change: c.9124C>T on transcript NM_006662.3 (MANE Select); coding-DNA position 9124, C replaced by T.
Protein change: p.Arg3042Trp; replaces arginine 3042 with tryptophan.
Molecular consequence: missense variant.
Genome position (GRCh38, 1-based): chr16:30,739,164, C>T. VCF-style: chr16-30739164-C-T. GRCh37 (hg19) VCF-style: chr16-30750485-C-T.
Other names: c.9124C>T (NM_006662.2); short protein forms R3042W.
Identifiers: ClinVar variation 1895623 (VCV001895623.12), dbSNP rs777211919, ClinGen allele CA8012835.